The following is an entry in ClinVar:

ClinVar aggregate classification (germline): Uncertain significance (1 of 4 stars; one submission).

Conditions:
Vici syndrome (VICIS). Identifiers: Orphanet 1493, MedGen C1855772, MONDO:0009452, OMIM 242840.

Submission:

Labcorp Genetics (formerly Invitae), Labcorp
Classification: Uncertain significance for Vici syndrome. Last evaluated: 2022-07-19. Review status: criteria provided, single submitter. Criteria: Invitae Variant Classification Sherloc (09022015). Collection method: clinical testing. Allele origin: germline.
Comment: This sequence change replaces serine, which is neutral and polar, with phenylalanine, which is neutral and non-polar, at codon 1249 of the EPG5 protein (p.Ser1249Phe). This variant is not present in population databases (gnomAD no frequency). This variant has not been reported in the literature in individuals affected with EPG5-related conditions. Algorithms developed to predict the effect of missense changes on protein structure and function (SIFT, PolyPhen-2, Align-GVGD) all suggest that this variant is likely to be disruptive. In summary, the available evidence is currently insufficient to determine the role of this variant in disease. Therefore, it has been classified as a Variant of Uncertain Significance.

NM_020964.3(EPG5):c.3746C>T (p.Ser1249Phe)

Gene: EPG5 (ectopic P-granules 5 autophagy tethering factor; minus strand). Cytogenetic location: 18q21.1.
Variant type: single nucleotide variant.
Coding change: c.3746C>T on transcript NM_020964.3 (MANE Select); coding-DNA position 3746, C replaced by T.
Protein change: p.Ser1249Phe; replaces serine 1249 with phenylalanine.
Molecular consequence: missense variant.
Genome position (GRCh38, 1-based): chr18:45,913,776, G>A on the plus strand (C>T on the coding strand, the complement: EPG5 is on the minus strand). VCF-style: chr18-45913776-G-A. GRCh37 (hg19) VCF-style: chr18-43493741-G-A.
Other names: c.3746C>T, p.Ser1249Phe (NM_001410858.1, NM_001410859.1); short protein forms S1249F.
Identifiers: ClinVar variation 1963707 (VCV001963707.2), dbSNP rs2511804800, ClinGen allele CA402341257.